The following is an entry in ClinVar:

ClinVar aggregate classification (germline): Uncertain significance (1 of 4 stars; one submission).

Submission:

Ambry Genetics
Classification: Uncertain significance. Last evaluated: 2025-08-29. Review status: criteria provided, single submitter. Criteria: Ambry Variant Classification Scheme 2023. Collection method: clinical testing. Allele origin: germline.
Comment: The p.K43N variant (also known as c.129G>T), located in coding exon 1 of the CDK12 gene, results from a G to T substitution at nucleotide position 129. The lysine at codon 43 is replaced by asparagine, an amino acid with similar properties. This amino acid position is conserved. In addition, this alteration is predicted to be tolerated by in silico analysis. Based on the available evidence, the clinical significance of this variant remains unclear.

NM_016507.4(CDK12):c.129G>T (p.Lys43Asn)

Genes: CDK12 (cyclin dependent kinase 12; plus strand), LOC126862553 (CDK7 strongly-dependent group 2 enhancer GRCh37_chr17:37618166-37619365; plus strand). Cytogenetic location: 17q12.
Variant type: single nucleotide variant.
Coding change: c.129G>T on transcript NM_016507.4 (MANE Select); coding-DNA position 129, G replaced by T.
Protein change: p.Lys43Asn; replaces lysine 43 with asparagine.
Molecular consequence: missense variant.
Genome position (GRCh38, 1-based): chr17:39,462,200, G>T. VCF-style: chr17-39462200-G-T. GRCh37 (hg19) VCF-style: chr17-37618453-G-T.
Other names: c.129G>T, p.Lys43Asn (NM_015083.4); short protein forms K43N.
Identifiers: ClinVar variation 4224419 (VCV004224419.1).